The following is an entry in ClinVar:

NM_001999.4(FBN2):c.5150G>T (p.Cys1717Phe)

Gene: FBN2 (fibrillin 2; minus strand). Cytogenetic location: 5q23.3.
Variant type: single nucleotide variant.
Coding change: c.5150G>T on transcript NM_001999.4 (MANE Select); coding-DNA position 5150, G replaced by T.
Protein change: p.Cys1717Phe; replaces cysteine 1717 with phenylalanine.
Molecular consequence: missense variant.
Genome position (GRCh38, 1-based): chr5:128,310,033, C>A on the plus strand (G>T on the coding strand, the complement: FBN2 is on the minus strand). VCF-style: chr5-128310033-C-A. GRCh37 (hg19) VCF-style: chr5-127645725-C-A.
Other names: short protein forms C1717F.
Identifiers: ClinVar variation 528409 (VCV000528409.9), dbSNP rs1554120186, ClinGen allele CA360744446.

ClinVar aggregate classification (germline): Uncertain significance (1 of 4 stars; one submission).

Conditions:
Congenital contractural arachnodactyly (CCA). Also called: Beals-Hecht syndrome; BEALS SYNDROME; Arthrogryposis, distal, type 9. Identifiers: Orphanet 115, MedGen C0220668, MONDO:0007363, OMIM 121050.

Submission:

Labcorp Genetics (formerly Invitae), Labcorp
Classification: Uncertain significance for Congenital contractural arachnodactyly. Last evaluated: 2017-11-27. Review status: criteria provided, single submitter. Criteria: Invitae Variant Classification Sherloc (09022015). Collection method: clinical testing. Allele origin: germline.
Comment: This sequence change replaces cysteine with phenylalanine at codon 1717 of the FBN2 protein (p.Cys1717Phe). The cysteine residue is highly conserved and there is a large physicochemical difference between cysteine and phenylalanine. This variant is not present in population databases (ExAC no frequency). This variant has not been reported in the literature in individuals with FBN2-related disease. Algorithms developed to predict the effect of missense changes on protein structure and function (SIFT, PolyPhen-2, Align-GVGD) all suggest that this variant is likely to be disruptive, but these predictions have not been confirmed by published functional studies and their clinical significance is uncertain. In summary, the available evidence is currently insufficient to determine the role of this variant in disease. Therefore, it has been classified as a Variant of Uncertain Significance.